The following is an entry in ClinVar:

ClinVar aggregate classification (germline): Conflicting classifications of pathogenicity. Review status: criteria provided, conflicting classifications (1 of 4 stars). 6 submissions from 6 submitters: Uncertain significance (3); Likely benign (2). 1 of the submissions does not count toward it. Last evaluated 2025-12-08.

Conditions:
DES-related disorder. Also called: DES-related condition.
Desmin-related myofibrillar myopathy (MFM1). Also called: Desminopathy; MYOFIBRILLAR MYOPATHY WITH ARRHYTHMOGENIC RIGHT VENTRICULAR CARDIOMYOPATHY; DESMIN-RELATED MYOPATHY WITH ARRHYTHMOGENIC RIGHT VENTRICULAR CARDIOMYOPATHY; Myofibrillar myopathy 1; Desmin related myopathy (former name); Desmin storage myopathy (former name). Identifiers: Orphanet 363543, Orphanet 98909, MedGen C1832370, MONDO:0011076, OMIM 601419.
Cardiovascular phenotype. Identifiers: MedGen CN230736.

Submissions (6):

Labcorp Genetics (formerly Invitae), Labcorp
Classification: Likely benign for Desmin-related myofibrillar myopathy. Last evaluated: 2025-12-08. Review status: criteria provided, single submitter. Criteria: Invitae Variant Classification Sherloc (09022015). Collection method: clinical testing. Allele origin: germline.

Ambry Genetics
Classification: Uncertain significance for Cardiovascular phenotype. Last evaluated: 2025-04-04. Review status: criteria provided, single submitter. Criteria: Ambry Variant Classification Scheme 2023. Collection method: clinical testing. Allele origin: germline.
Comment: The c.1372-3dupC intronic variant, results from a duplication of two nucleotides at nucleotide position 1372 before intron 8 of the DES gene. This nucleotide position is well conserved in available vertebrate species. In silico splice site analysis predicts that this alteration will not have any significant effect on splicing. Since supporting evidence is limited at this time, the clinical significance of this alteration remains unclear.

GeneDx
Classification: Likely benign. Last evaluated: 2020-07-15. Review status: criteria provided, single submitter. Criteria: GeneDx Variant Classification Process June 2021. Collection method: clinical testing. Allele origin: germline. Affected: yes.

Eurofins Ntd Llc (ga)
Classification: Uncertain significance. Last evaluated: 2016-06-07. Review status: criteria provided, single submitter. Criteria: EGL Classification Definitions. Collection method: clinical testing. Allele origin: germline. Observed: 1 variant allele, 1 heterozygote.

Laboratory for Molecular Medicine, Mass General Brigham Personalized Medicine
Classification: Uncertain significance. Last evaluated: 2015-05-14. Review status: criteria provided, single submitter. Criteria: LMM Criteria. Collection method: clinical testing. Allele origin: germline. Observed: 1 variant allele.
Comment: The c.1372-3_1372-2insC variant in DES has not been previously reported in indiv iduals with cardiomyopathy, but has been identified in 3/11576 Latino chromosome s by the Exome Aggregation Consortium (ExAC). Th is variant results in the insertion of a single nucleotide in the 3' splice regi on. Computational tools do not suggest an impact to splicing. However, this info rmation is not predictive enough to rule out pathogenicity. In summary, the clin ical significance of the c.1372-3_1372-2insC variant is uncertain.

PreventionGenetics, part of Exact Sciences
Classification: Likely benign for DES-related condition. Last evaluated: 2021-08-30. Review status: no assertion criteria provided. Collection method: clinical testing. Allele origin: germline. Not counted in ClinVar's aggregate classification.
Comment: This variant is classified as likely benign based on ACMG/AMP sequence variant interpretation guidelines (Richards et al. 2015 PMID: 25741868, with internal and published modifications).

Literature cited by the submitters: PubMed 37466024 (cited by Ambry Genetics).

NM_001927.4(DES):c.1372-3dup

Gene: DES (desmin; plus strand). Cytogenetic location: 2q35.
Variant type: Duplication.
Coding change: c.1372-3dup on transcript NM_001927.4 (MANE Select); 3 bases into the intron before coding-DNA position 1372, one base duplicated (C; older notation c.1372-3dupC).
Genome position (GRCh38, 1-based): chr2:219,425,946, C duplicated; the last of 4 consecutive C bases (chr2:219,425,943-219,425,946); duplicating any one gives the same sequence. VCF-style (leftmost placement, unchanged base first): chr2-219425942-T-TC. GRCh37 (hg19) VCF-style: chr2-220290664-T-TC.
Identifiers: ClinVar variation 228546 (VCV000228546.25), dbSNP rs876657769, ClinGen allele CA2125316.